The following is an entry in ClinVar:

ClinVar aggregate classification (germline): Uncertain significance (1 of 4 stars; one submission).

Conditions:
ARMC5-related disorder. Also called: ARMC5-related condition.

Allele frequency attached by ClinVar (database versions not stated): TOPMed 0.00001; gnomAD exomes 0.00002; gnomAD 0.00001; ExAC 0.00008.
gnomAD v4.1: 26 of 1,535,368 alleles (0.0017%); highest among the groups gnomAD compares: South Asian, 0.0024%; no homozygotes.

Submission:

PreventionGenetics, part of Exact Sciences
Classification: Uncertain significance for ARMC5-related condition. Last evaluated: 2022-09-26. Review status: criteria provided, single submitter. Criteria: ACMG Guidelines, 2015. Collection method: clinical testing. Allele origin: germline.
Comment: The ARMC5 c.39G>A variant is not predicted to result in an amino acid change (p.=). This variant occurs in the pre-coding region of the primary transcript of this gene (NM_001105247.1:c.-185G>A). This variant affects the last nucleotide of exon 1 and is predicted to disrupt the canonical splice site (Alamut Visual v2.11); however, the use of computer prediction programs is not equivalent to functional evidence. To our knowledge, this variant has not been reported in the literature. This variant is reported in 0.0058% of alleles in individuals of European (Non-Finnish) descent in gnomAD. At this time, the clinical significance of this variant is uncertain due to the absence of conclusive functional and genetic evidence.

NM_001301820.1(ARMC5):c.39G>A (p.Lys13=)

Genes: ARMC5 (armadillo repeat containing 5; plus strand), LOC130058905 (ATAC-STARR-seq lymphoblastoid active region 10764; plus strand). Cytogenetic location: 16p11.2.
Variant type: single nucleotide variant.
Coding change: c.39G>A on transcript NM_001301820.1; coding-DNA position 39, G replaced by A.
Protein change: p.Lys13=; no amino-acid change (lysine 13 retained).
Molecular consequence: synonymous variant. On other transcripts: 5 prime UTR variant (1), intron variant (1).
Genome position (GRCh38, 1-based): chr16:31,459,340, G>A. VCF-style: chr16-31459340-G-A. GRCh37 (hg19) VCF-style: chr16-31470661-G-A.
Other names: c.-185G>A (NM_024742.2); c.229-128G>A (NM_001288767.2).
Identifiers: ClinVar variation 2636753 (VCV002636753.1), dbSNP rs761201073, ClinGen allele CA8029288.
Genomic context (GRCh38, chr16:31,459,340, plus strand): 5'-CGACGCGGACCACATCTCCCTCATGCACCGCCCGCACGTCCCAGGATGCGCTGCGATTAA[G>A]GTACTGCCGCGCCTCGTGTGCAAGGACAGACTTCCGGGGTCGAGAACTACAACTTCCGAC-3'